The following is an entry in ClinVar:

NM_199420.4(POLQ):c.7371C>A (p.Asn2457Lys)

Gene: POLQ (DNA polymerase theta; minus strand). Cytogenetic location: 3q13.33.
Variant type: single nucleotide variant.
Coding change: c.7371C>A on transcript NM_199420.4 (MANE Select); coding-DNA position 7371, C replaced by A.
Protein change: p.Asn2457Lys; replaces asparagine 2457 with lysine.
Molecular consequence: missense variant.
Genome position (GRCh38, 1-based): chr3:121,440,010, G>T on the plus strand (C>A on the coding strand, the complement: POLQ is on the minus strand). VCF-style: chr3-121440010-G-T. GRCh37 (hg19) VCF-style: chr3-121158857-G-T.
Other names: short protein forms N2457K.
Identifiers: ClinVar variation 1758568 (VCV001758568.2), dbSNP rs1030475359, ClinGen allele CA81841163.

ClinVar aggregate classification (germline): Uncertain significance (1 of 4 stars; one submission).

Submission:

Ambry Genetics
Classification: Uncertain significance. Last evaluated: 2023-11-06. Review status: criteria provided, single submitter. Criteria: Ambry Variant Classification Scheme 2023. Collection method: clinical testing. Allele origin: germline.
Comment: The p.N2457K variant (also known as c.7371C>A), located in coding exon 27 of the POLQ gene, results from a C to A substitution at nucleotide position 7371. The asparagine at codon 2457 is replaced by lysine, an amino acid with similar properties. This amino acid position is conserved. In addition, the in silico prediction for this alteration is inconclusive. Since supporting evidence is limited at this time, the clinical significance of this alteration remains unclear.